The following is an entry in ClinVar:

NM_000271.5(NPC1):c.955+1G>A

Gene: NPC1 (NPC intracellular cholesterol transporter 1; minus strand). Cytogenetic location: 18q11.2.
Variant type: single nucleotide variant.
Coding change: c.955+1G>A on transcript NM_000271.5 (MANE Select); the canonical splice donor site of the intron after coding-DNA position 955, G replaced by A.
Molecular consequence: splice donor variant.
Genome position (GRCh38, 1-based): chr18:23,557,116, C>T on the plus strand (G>A on the coding strand, the complement: NPC1 is on the minus strand). VCF-style: chr18-23557116-C-T. GRCh37 (hg19) VCF-style: chr18-21137080-C-T.
Identifiers: ClinVar variation 2501063 (VCV002501063.1), dbSNP rs2511288024, ClinGen allele CA401779382.

ClinVar aggregate classification (germline): Likely pathogenic (1 of 4 stars; one submission).

Conditions:
Niemann-Pick disease, type C (NPC). Identifiers: Orphanet 646, MedGen C0220756, MONDO:0018982.

Allele frequency attached by ClinVar (database versions not stated): gnomAD exomes below 0.00001.
gnomAD v4.1: 3 of 1,608,050 alleles (0.00019%); highest among the groups gnomAD compares: Non-Finnish European, 0.00017%; no homozygotes.

Submission:

Women's Health and Genetics/Laboratory Corporation of America, LabCorp
Classification: Likely pathogenic for Niemann-Pick disease, type C. Last evaluated: 2023-03-14. Review status: criteria provided, single submitter. Criteria: LabCorp Variant Classification Summary - May 2015. Collection method: clinical testing. Allele origin: germline.
Comment: Variant summary: NPC1 c.955+1G>A is located in a canonical splice-site and is predicted to affect mRNA splicing resulting in a significantly altered protein due to either exon skipping, shortening, or inclusion of intronic material. Several computational tools predict a significant impact on normal splicing: Three predict the variant abolishes the canonical 5' splicing donor site. However, these predictions have yet to be confirmed by functional studies. The variant was absent in 251022 control chromosomes (gnomAD). c.955+1G>A has been reported in the literature in individuals affected with Niemann-Pick Disease (example: Fernandez-Valero_2005 and Seker Yilmaz_2020). To our knowledge, no experimental evidence demonstrating an impact on protein function has been reported. No clinical diagnostic laboratories have submitted clinical-significance assessments for this variant to ClinVar after 2014. Based on the evidence outlined above, the variant was classified as likely pathogenic.

Literature cited by the submitters: PubMed 16098014; PubMed 32709131.